The following is an entry in ClinVar:

ClinVar aggregate classification (germline): Uncertain significance (1 of 4 stars; one submission).

gnomAD v4.1: 1 of 1,613,944 alleles (0.000062%); highest among the groups gnomAD compares: Non-Finnish European, 0.000085%; no homozygotes.

Submission:

Labcorp Genetics (formerly Invitae), Labcorp
Classification: Uncertain significance. Last evaluated: 2025-12-26. Review status: criteria provided, single submitter. Criteria: Invitae Variant Classification Sherloc (09022015). Collection method: clinical testing. Allele origin: germline.
Comment: This sequence change falls in intron 1 of the TBX20 gene. It does not directly change the encoded amino acid sequence of the TBX20 protein. It affects a nucleotide within the consensus splice site. This variant is not present in population databases (gnomAD no frequency). This variant has not been reported in the literature in individuals affected with TBX20-related conditions. Variants that disrupt the consensus splice site are a relatively common cause of aberrant splicing (PMID: 17576681, 9536098). Algorithms developed to predict the effect of sequence changes on RNA splicing suggest that this variant may disrupt the consensus splice site. In summary, the available evidence is currently insufficient to determine the role of this variant in disease. Therefore, it has been classified as a Variant of Uncertain Significance.

Literature cited by the submitters: PubMed 17576681; PubMed 9536098.

NM_001077653.2(TBX20):c.128-3C>G

Gene: TBX20 (T-box transcription factor 20; minus strand). Cytogenetic location: 7p14.2.
Variant type: single nucleotide variant.
Coding change: c.128-3C>G on transcript NM_001077653.2 (MANE Select); 3 bases into the intron before coding-DNA position 128, C replaced by G.
Molecular consequence: intron variant.
Genome position (GRCh38, 1-based): chr7:35,250,206, G>C on the plus strand (C>G on the coding strand, the complement: TBX20 is on the minus strand). VCF-style: chr7-35250206-G-C. GRCh37 (hg19) VCF-style: chr7-35289818-G-C.
Other names: c.128-3C>G (NM_001166220.1).
Identifiers: ClinVar variation 4739917 (VCV004739917.1).
Genomic context (GRCh38, chr7:35,250,206, plus strand): 5'-TCCAGGCTGGTCAGCTCACCCAGGGGCTGGGCACAGGACGACTTCTCCACAAATTGCTCT[G>C]GAGGTAAAGAGAATTGTGAATGACAGCTGACACTGTTCAACAAGGAAAGATCTGGAAAGA-3'